The following is an entry in ClinVar:

ClinVar aggregate classification (germline): Pathogenic/Likely pathogenic. Review status: criteria provided, multiple submitters, no conflicts (2 of 4 stars). 5 submissions from 5 submitters: Pathogenic (3); Likely pathogenic (2). Last evaluated 2026-09-04.

Conditions:
Pfeiffer syndrome (ACS5). Also called: ACS V. Identifiers: Orphanet 710, MedGen C0220658, MONDO:0007043, OMIM 101600.
FGFR2-related craniosynostosis. Identifiers: MedGen CN231480.
Craniosynostosis syndrome. Also called: Craniosynostosis. Identifiers: Orphanet 1531, MedGen C0010278, MeSH D003398, MONDO:0015469, HP:0001363.
FGFR2-related disorder. Identifiers: MedGen CN380096.

Submissions (5):

GeneDx
Classification: Pathogenic. Last evaluated: 2026-09-04. Review status: criteria provided, single submitter. Criteria: GeneDx Variant Classification Process June 2021. Collection method: clinical testing. Allele origin: germline.
Comment: Not observed at significant frequency in large population cohorts (gnomAD); In silico analysis suggests that this missense variant does not alter protein structure/function; This variant is associated with the following publications: (PMID: 25525159, 15565658, 21367659, 29230096, 10951518, 9521581, 8298735, 7795583, 8528214, 36360260, 11781872)

Victorian Clinical Genetics Services, Murdoch Childrens Research Institute
Classification: Pathogenic for Craniosynostosis syndrome. Last evaluated: 2026-05-05. Review status: criteria provided, single submitter. Criteria: ACMG Guidelines, 2015. Collection method: clinical testing. Allele origin: germline. Affected: yes.
Comment: This variant is classified as Pathogenic. Evidence in support of pathogenic classification: Variant is absent from gnomAD (v2, v3 and v4); This variant has strong previous evidence of pathogenicity in unrelated individuals. This variant has been classified once as pathogenic and once as a VUS by clinical laboratories in ClinVar, and reported in the literature in individuals with FGFR2-related craniosynostosis (PMID: 9521581, 36360260); Variant is located in a hotspot region or cluster of PATHOGENIC variants. This variant is located in an Immunoglobulin domain (DECIPHER); Additional information: Variant is predicted to result in a missense amino acid change from Ala to Ser; This variant is heterozygous; This gene is associated with autosomal dominant disease; Alternative amino acid change(s) at the same position are present in gnomAD (highest allele count: v4: 1 heterozygote(s), 0 homozygote(s)); Missense variant with inconclusive in silico prediction and/or uninformative conservation; Loss of function and gain of function are known mechanisms of disease in this gene, and are associated with FGFR2-related disorders (PMID: 29848297, 32879300, 27323706); Variants in this gene are known to have variable expressivity. Variable expressivity has been reported for Crouzon syndrome (MIM#123500) whereby some relatives can have mild phenotypic manifestations and can seem unaffected (PMID: 20301628).

3billion
Classification: Likely pathogenic for Pfeiffer syndrome. Last evaluated: 2025-09-10. Review status: criteria provided, single submitter. Criteria: ACMG Guidelines, 2015. Collection method: clinical testing. Allele origin: germline. Affected: yes.
Comment: The variant is not observed in the gnomAD v4.1.0 dataset. Predicted Consequence/Location: Missense variant. Missense changes are a common disease-causing mechanism. In silico tool predictions suggest damaging effect of the variant on gene or gene product [3Cnet: 0.99 (> 0.75, sensitivity 0.96 and precision 0.92)]. The same nucleotide change resulting in the same amino acid change has been previously reported to be associated with FGFR2-related disorder (ClinVar ID: VCV000478049 /PMID: 9521581).The variant has been observed in at least two similarly affected unrelated individuals (PMID: 7795583). Therefore, this variant is classified as Likely pathogenic according to the recommendation of ACMG/AMP guideline.

Labcorp Genetics (formerly Invitae), Labcorp
Classification: Pathogenic for FGFR2-related craniosynostosis. Last evaluated: 2021-08-24. Review status: criteria provided, single submitter. Criteria: Invitae Variant Classification Sherloc (09022015). Collection method: clinical testing. Allele origin: germline.
Comment: This variant has also been reported in an individual with craniosynostosis (PMID: 9521581) and it has been reported in 2 individuals with Pfeiffer syndrome (PMID: 7795583). For these reasons, this variant has been classified as Pathogenic. Algorithms developed to predict the effect of sequence changes on RNA splicing suggest that this variant may disrupt the consensus splice site, but this prediction has not been confirmed by published transcriptional studies. Algorithms developed to predict the effect of missense changes on protein structure and function (SIFT, PolyPhen-2, Align-GVGD) all suggest that this variant is likely to be tolerated, but these predictions have not been confirmed by published functional studies and their clinical significance is uncertain. This variant is not present in population databases (ExAC no frequency). This sequence change replaces alanine with serine at codon 314 of the FGFR2 protein (p.Ala314Ser). The alanine residue is weakly conserved and there is a moderate physicochemical difference between alanine and serine.

Blueprint Genetics
Classification: Likely pathogenic for FGFR2-related disorders. Last evaluated: 2020-04-29. Review status: criteria provided, single submitter. Criteria: ACMG Guidelines, 2015. Collection method: clinical testing. Allele origin: germline. Affected: yes. Observed: 1 variant allele.

Literature cited by the submitters: PubMed 27323706 (cited by Victorian Clinical Genetics Services, Murdoch Childrens Research Institute); PubMed 20301628 (cited by Victorian Clinical Genetics Services, Murdoch Childrens Research Institute); PubMed 32879300 (cited by Victorian Clinical Genetics Services, Murdoch Childrens Research Institute); PubMed 29848297 (cited by Victorian Clinical Genetics Services, Murdoch Childrens Research Institute); PubMed 9521581 (cited by 3 submitters); PubMed 36360260 (cited by Victorian Clinical Genetics Services, Murdoch Childrens Research Institute); PubMed 7795583 (cited by 3billion and Labcorp Genetics (formerly Invitae), Labcorp).

NM_000141.5(FGFR2):c.940G>T (p.Ala314Ser)

Gene: FGFR2 (fibroblast growth factor receptor 2; minus strand). Cytogenetic location: 10q26.13.
Variant type: single nucleotide variant.
Coding change: c.940G>T on transcript NM_000141.5 (MANE Select); coding-DNA position 940, G replaced by T.
Protein change: p.Ala314Ser; replaces alanine 314 with serine.
Molecular consequence: missense variant. On other transcripts: non-coding transcript variant (1), intron variant (5).
Genome position (GRCh38, 1-based): chr10:121,517,463, C>A on the plus strand (G>T on the coding strand, the complement: FGFR2 is on the minus strand). VCF-style: chr10-121517463-C-A. GRCh37 (hg19) VCF-style: chr10-123276977-C-A.
Other names: c.673G>T, p.Ala225Ser (NM_001144915.2, NM_023029.3); c.595G>T, p.Ala199Ser (NM_001144916.2, NM_001144918.2); c.256G>T, p.Ala86Ser (NM_001320654.2); c.940G>T, p.Ala314Ser (NM_001320658.2); c.749-2144G>T (NM_001144914.1); c.939+2516G>T (NM_001144917.2); c.1087+1219G>T (NM_022970.4, NM_001144913.1); c.820+1219G>T (NM_001144919.2); short protein forms A314S, A199S, A225S, A86S.
Identifiers: ClinVar variation 478049 (VCV000478049.18), dbSNP rs1358919643, ClinGen allele CA378328613.
Genomic context (GRCh38, chr10:121,517,463, plus strand): 5'-AAGTTACATTCCGAATATAGAGAACCTCAATCTCTTTGTCCGTGGTGTTAACACCGGCGG[C>A]CTAGAAAACAAGGGAAGCAAAAGAAAAGGCTAGACGACACAGGAATGATTGTGGAGGGGG-3'
Protein context (NP_000132.3, residues 304-324): DGLPYLKVLK[Ala314Ser]AGVNTTDKEI